The following is an entry in ClinVar:

ClinVar aggregate classification (germline): Likely pathogenic (1 of 4 stars; one submission).

Conditions:
Supravalvar aortic stenosis (SVAS). Also called: Supravalvar aortic stenosis, Eisenberg type. Identifiers: Orphanet 3193, MedGen C0003499, MONDO:0008504, OMIM 185500, HP:0004381.

Submission:

3billion
Classification: Likely pathogenic for Supravalvar aortic stenosis. Last evaluated: 2023-05-26. Review status: criteria provided, single submitter. Criteria: ACMG Guidelines, 2015. Collection method: research. Allele origin: germline. Inheritance: Autosomal dominant inheritance. Affected: yes.
Comment: The variant is not observed in the gnomAD v2.1.1 dataset. The variant is predicted to result in a loss or disruption of normal protein function through nonsense-mediated decay (NMD) or protein truncation. Multiple pathogenic variants are reported downstream of the variant. Therefore, the variant was classified as Likely pathogenic.

NM_000501.4(ELN):c.1055_1056del (p.Pro352fs)

Gene: ELN (elastin; plus strand). Cytogenetic location: 7q11.23.
Variant type: Deletion.
Coding change: c.1055_1056del on transcript NM_000501.4 (MANE Select); coding-DNA positions 1055 to 1056, 2 bases deleted (CA; older notation c.1055_1056delCA).
Protein change: p.Pro352fs; shifts the reading frame from proline 352.
Molecular consequence: frameshift variant.
Genome position (GRCh38, 1-based): chr7:74,053,268-74,053,269, CA deleted. VCF-style (leftmost placement, unchanged base first): chr7-74053267-CCA-C. GRCh37 (hg19) VCF-style: chr7-73467597-CCA-C.
Other names: c.1025_1026del, p.Pro342fs (NM_001081752.3, NM_001278917.2); c.1070_1071del, p.Pro357fs (NM_001081753.3, NM_001081754.3); c.1055_1056del, p.Pro352fs (NM_001081755.3, NM_001278912.2, NM_001278915.2 and 1 more transcripts); c.947_948del, p.Pro316fs (NM_001278913.2); c.1040_1041del, p.Pro347fs (NM_001278914.2); c.1013_1014del, p.Pro338fs (NM_001278916.2); c.923_924del, p.Pro308fs (NM_001278918.2); short protein forms P308fs, P316fs, P338fs, P342fs, P347fs, P352fs, P357fs.
Identifiers: ClinVar variation 4280727 (VCV004280727.1).